The following is an entry in ClinVar:

ClinVar aggregate classification (germline): Benign (0 of 4 stars; one submission).

Conditions:
PARP1-related disorder. Also called: PARP1-related condition.

Allele frequency attached by ClinVar (database versions not stated): gnomAD 0.22608; TOPMed 0.23314; ESP Exome Variant Server 0.24173; 1000 Genomes Project 0.25579; 1000 Genomes Project 30x 0.25937.
gnomAD v4.1: 290,843 of 1,600,632 alleles (18%); highest among the groups gnomAD compares: African/African-American, 37%; 28,852 homozygotes.

Submissions (18):

PreventionGenetics, part of Exact Sciences
Classification: Benign for PARP1-related condition. Last evaluated: 2019-10-21. Review status: no assertion criteria provided. Collection method: clinical testing. Allele origin: germline.
Comment: This variant is classified as benign based on ACMG/AMP sequence variant interpretation guidelines (Richards et al. 2015 PMID: 25741868, with internal and published modifications).

Dr. Peter K. Rogan Lab, Western University
No classification provided (evidence only). Condition: Familial cancer of breast. Review status: no classification provided. Collection method: in vitro. Allele origin: not applicable. Functional consequence: retained intron. Not counted in ClinVar's aggregate classification.

Dr. Peter K. Rogan Lab, Western University
No classification provided (evidence only). Condition: Familial cancer of breast. Review status: no classification provided. Collection method: in vitro. Allele origin: not applicable. Functional consequence: retained intron. Not counted in ClinVar's aggregate classification.

Dr. Peter K. Rogan Lab, Western University
No classification provided (evidence only). Condition: Malignant lymphoma, large B-cell, diffuse. Review status: no classification provided. Collection method: in vitro. Allele origin: not applicable. Functional consequence: retained intron. Not counted in ClinVar's aggregate classification.

Dr. Peter K. Rogan Lab, Western University
No classification provided (evidence only). Condition: Malignant lymphoma, large B-cell, diffuse. Review status: no classification provided. Collection method: in vitro. Allele origin: not applicable. Functional consequence: retained intron. Not counted in ClinVar's aggregate classification.

Dr. Peter K. Rogan Lab, Western University
No classification provided (evidence only). Condition: Malignant lymphoma, large B-cell, diffuse. Review status: no classification provided. Collection method: in vitro. Allele origin: not applicable. Functional consequence: retained intron. Not counted in ClinVar's aggregate classification.

Dr. Peter K. Rogan Lab, Western University
No classification provided (evidence only). Condition: Malignant lymphoma, large B-cell, diffuse. Review status: no classification provided. Collection method: in vitro. Allele origin: not applicable. Functional consequence: retained intron. Not counted in ClinVar's aggregate classification.

Dr. Peter K. Rogan Lab, Western University
No classification provided (evidence only). Condition: Malignant lymphoma, large B-cell, diffuse. Review status: no classification provided. Collection method: in vitro. Allele origin: not applicable. Functional consequence: retained intron. Not counted in ClinVar's aggregate classification.

Dr. Peter K. Rogan Lab, Western University
No classification provided (evidence only). Condition: Malignant lymphoma, large B-cell, diffuse. Review status: no classification provided. Collection method: in vitro. Allele origin: not applicable. Functional consequence: retained intron. Not counted in ClinVar's aggregate classification.

Dr. Peter K. Rogan Lab, Western University
No classification provided (evidence only). Condition: Malignant lymphoma, large B-cell, diffuse. Review status: no classification provided. Collection method: in vitro. Allele origin: not applicable. Functional consequence: retained intron. Not counted in ClinVar's aggregate classification.

Dr. Peter K. Rogan Lab, Western University
No classification provided (evidence only). Condition: Malignant lymphoma, large B-cell, diffuse. Review status: no classification provided. Collection method: in vitro. Allele origin: not applicable. Functional consequence: retained intron. Not counted in ClinVar's aggregate classification.

Dr. Peter K. Rogan Lab, Western University
No classification provided (evidence only). Condition: Malignant lymphoma, large B-cell, diffuse. Review status: no classification provided. Collection method: in vitro. Allele origin: not applicable. Functional consequence: retained intron. Not counted in ClinVar's aggregate classification.

Dr. Peter K. Rogan Lab, Western University
No classification provided (evidence only). Condition: Malignant lymphoma, large B-cell, diffuse. Review status: no classification provided. Collection method: in vitro. Allele origin: not applicable. Functional consequence: retained intron. Not counted in ClinVar's aggregate classification.

Dr. Peter K. Rogan Lab, Western University
No classification provided (evidence only). Condition: Malignant lymphoma, large B-cell, diffuse. Review status: no classification provided. Collection method: in vitro. Allele origin: not applicable. Functional consequence: retained intron. Not counted in ClinVar's aggregate classification.

Dr. Peter K. Rogan Lab, Western University
No classification provided (evidence only). Condition: Nonpapillary renal cell carcinoma. Review status: no classification provided. Collection method: in vitro. Allele origin: not applicable. Functional consequence: retained intron. Not counted in ClinVar's aggregate classification.

Dr. Peter K. Rogan Lab, Western University
No classification provided (evidence only). Condition: Nonpapillary renal cell carcinoma. Review status: no classification provided. Collection method: in vitro. Allele origin: not applicable. Functional consequence: retained intron. Not counted in ClinVar's aggregate classification.

Dr. Peter K. Rogan Lab, Western University
No classification provided (evidence only). Condition: Nonpapillary renal cell carcinoma. Review status: no classification provided. Collection method: in vitro. Allele origin: not applicable. Functional consequence: retained intron. Not counted in ClinVar's aggregate classification.

Dr. Peter K. Rogan Lab, Western University
No classification provided (evidence only). Condition: Nonpapillary renal cell carcinoma. Review status: no classification provided. Collection method: in vitro. Allele origin: not applicable. Functional consequence: retained intron. Not counted in ClinVar's aggregate classification.

NM_001618.4(PARP1):c.287-6C>A

Gene: PARP1 (poly(ADP-ribose) polymerase 1; minus strand). Cytogenetic location: 1q42.12.
Variant type: single nucleotide variant.
Coding change: c.287-6C>A on transcript NM_001618.4 (MANE Select); 6 bases into the intron before coding-DNA position 287, C replaced by A.
Molecular consequence: intron variant.
Genome position (GRCh38, 1-based): chr1:226,392,320, G>T on the plus strand (C>A on the coding strand, the complement: PARP1 is on the minus strand). VCF-style: chr1-226392320-G-T. GRCh37 (hg19) VCF-style: chr1-226580021-G-T.
Other names: NC_000001.10:g.226580021G>T.
Identifiers: ClinVar variation 3059377 (VCV003059377.3), dbSNP rs1805405, ClinGen allele CA1423201.
Genomic context (GRCh38, chr1:226,392,320, plus strand): 5'-GCAAAGTCACCCAGAGTCTTCTCTGCCTTGCTACCAATTCCATCCTGGCCTTTGCCTGGA[G>T]AATCAAACAGACAGCAATGCTCATCTCAACAGCCCCAAAATGCAGCTCAGAGGAGCCCCG-3'